The following is an entry in ClinVar:

NM_020631.6(PLEKHG5):c.835A>G (p.Thr279Ala)

Gene: PLEKHG5 (pleckstrin homology and RhoGEF domain containing G5; minus strand). Cytogenetic location: 1p36.31.
Variant type: single nucleotide variant.
Coding change: c.835A>G on transcript NM_020631.6 (MANE Select); coding-DNA position 835, A replaced by G.
Protein change: p.Thr279Ala; replaces threonine 279 with alanine.
Molecular consequence: missense variant.
Genome position (GRCh38, 1-based): chr1:6,473,135, T>C on the plus strand (A>G on the coding strand, the complement: PLEKHG5 is on the minus strand). VCF-style: chr1-6473135-T-C. GRCh37 (hg19) VCF-style: chr1-6533195-T-C.
Other names: c.946A>G, p.Thr316Ala (NM_001042663.3, NM_001265592.2); c.835A>G, p.Thr279Ala (NM_001042664.2, NM_001042665.2, NM_001265594.3 and 1 more transcripts); c.1042A>G, p.Thr348Ala (NM_001265593.2); short protein forms T279A, T348A, T316A.
Identifiers: ClinVar variation 1442728 (VCV001442728.8), dbSNP rs376817987, ClinGen allele CA561735.

ClinVar aggregate classification (germline): Uncertain significance (1 of 4 stars; one submission).

Conditions:
Neuronopathy, distal hereditary motor, autosomal recessive 4. Also called: Autosomal recessive lower motor neuron disease with childhood onset; NEUROPATHY, DISTAL HEREDITARY MOTOR, AUTOSOMAL RECESSIVE 4. Identifiers: Orphanet 206580, MedGen C1970211, MONDO:0012608, OMIM 611067.
Charcot-Marie-Tooth disease recessive intermediate C. Also called: CHARCOT-MARIE-TOOTH NEUROPATHY, RECESSIVE INTERMEDIATE C. Identifiers: Orphanet 369867, MedGen C3809309, MONDO:0014154, OMIM 615376.

Allele frequency attached by ClinVar (database versions not stated): ExAC 0.00001; gnomAD 0.00001; ESP Exome Variant Server 0.00008.

Submission:

Labcorp Genetics (formerly Invitae), Labcorp
Classification: Uncertain significance for Neuronopathy, distal hereditary motor, autosomal recessive 4; Charcot-Marie-Tooth disease recessive intermediate C. Last evaluated: 2021-06-02. Review status: criteria provided, single submitter. Criteria: Invitae Variant Classification Sherloc (09022015). Collection method: clinical testing. Allele origin: germline.
Comment: This sequence change replaces threonine with alanine at codon 279 of the PLEKHG5 protein (p.Thr279Ala). The threonine residue is weakly conserved and there is a small physicochemical difference between threonine and alanine. This variant is present in population databases (rs376817987, ExAC 0.01%). This variant has not been reported in the literature in individuals with PLEKHG5-related conditions. Algorithms developed to predict the effect of missense changes on protein structure and function output the following: SIFT: "Tolerated"; PolyPhen-2: "Benign"; Align-GVGD: "Class C0". The alanine amino acid residue is found in multiple mammalian species, suggesting that this missense change does not adversely affect protein function. These predictions have not been confirmed by published functional studies and their clinical significance is uncertain. In summary, the available evidence is currently insufficient to determine the role of this variant in disease. Therefore, it has been classified as a Variant of Uncertain Significance.